The following is an entry in ClinVar:

NM_004364.5(CEBPA):c.437T>A (p.Leu146Gln)

Gene: CEBPA (CCAAT enhancer binding protein alpha; minus strand). Cytogenetic location: 19q13.11.
Variant type: single nucleotide variant.
Coding change: c.437T>A on transcript NM_004364.5 (MANE Select); coding-DNA position 437, T replaced by A.
Protein change: p.Leu146Gln; replaces leucine 146 with glutamine.
Molecular consequence: missense variant.
Genome position (GRCh38, 1-based): chr19:33,301,978, A>T on the plus strand (T>A on the coding strand, the complement: CEBPA is on the minus strand). VCF-style: chr19-33301978-A-T. GRCh37 (hg19) VCF-style: chr19-33792884-A-T.
Other names: c.80T>A, p.Leu27Gln (NM_001285829.2); c.542T>A, p.Leu181Gln (NM_001287424.2); c.395T>A, p.Leu132Gln (NM_001287435.2); short protein forms L132Q, L146Q, L181Q, L27Q.
Identifiers: ClinVar variation 1692812 (VCV001692812.2), dbSNP rs1481195051, ClinGen allele CA405274956.

ClinVar aggregate classification (germline): Uncertain significance. Review status: criteria provided, multiple submitters, no conflicts (2 of 4 stars). 2 submissions from 2 submitters: Uncertain significance (2). Last evaluated 2026-09-03.

Conditions:
Hereditary cancer-predisposing syndrome. Also called: Tumor predisposition; Hereditary neoplastic syndrome; Neoplastic Syndromes, Hereditary; Hereditary Cancer Syndrome. Identifiers: Orphanet 140162, MedGen C0027672, MeSH D009386, MONDO:0015356.
Inborn genetic diseases. Identifiers: MedGen C0950123, MeSH D030342.

Submissions (2):

Ambry Genetics
Classification: Uncertain significance for Inborn genetic diseases. Last evaluated: 2026-09-03. Review status: criteria provided, single submitter. Criteria: Ambry Variant Classification Scheme 2023. Collection method: clinical testing. Allele origin: germline.
Comment: The p.L146Q variant (also known as c.437T>A), located in coding exon 1 of the CEBPA gene, results from a T to A substitution at nucleotide position 437. The leucine at codon 146 is replaced by glutamine, an amino acid with dissimilar properties. This amino acid position is conserved. In addition, this alteration is predicted to be tolerated by in silico analysis. Based on the available evidence, the clinical significance of this variant remains unclear.

Sema4
Classification: Uncertain significance for Hereditary cancer-predisposing syndrome. Last evaluated: 2021-09-25. Review status: criteria provided, single submitter. Criteria: Sema4 Curation Guidelines. Collection method: curation. Allele origin: germline.
Comment: The CEBPA c.437T>A (p.L146Q) variant has not been reported in the literature to our knowledge. It was not observed in the large and broad cohorts of the Genome Aggregation Database. The variant has not been reported in ClinVar. In silico tools suggest the impact of the variant on protein function is benign, though these predictions have not been confirmed by functional studies. The evidence is insufficient to meet ACMG/AMP criteria for classifying the variant as benign or pathogenic. Thus, the clinical significance of this variant is currently uncertain.